The following is an entry in ClinVar:

NM_000051.4(ATM):c.5281C>G (p.Leu1761Val)

Gene: ATM (ATM serine/threonine kinase; plus strand). Cytogenetic location: 11q22.3.
Variant type: single nucleotide variant.
Coding change: c.5281C>G on transcript NM_000051.4 (MANE Select); coding-DNA position 5281, C replaced by G.
Protein change: p.Leu1761Val; replaces leucine 1761 with valine.
Molecular consequence: missense variant.
Genome position (GRCh38, 1-based): chr11:108,301,751, C>G. VCF-style: chr11-108301751-C-G. GRCh37 (hg19) VCF-style: chr11-108172478-C-G.
Other names: c.5281C>G, p.Leu1761Val (NM_001351834.2); short protein forms L1761V.
Identifiers: ClinVar variation 1036618 (VCV001036618.9), dbSNP rs2083443935, ClinGen allele CA382542638.

ClinVar aggregate classification (germline): Uncertain significance (1 of 4 stars; one submission).

Conditions:
Ataxia-telangiectasia syndrome (AT). Also called: Ataxia-telangiectasia, complementation group D; ATAXIA-TELANGIECTASIA, COMPLEMENTATION GROUP A; ATAXIA-TELANGIECTASIA, FRESNO VARIANT; Ataxia-telangiectasia; Ataxia-telangiectasia, complementation group E; LOUIS-BAR SYNDROME. Identifiers: Orphanet 100, MedGen C0004135, MONDO:0008840, OMIM 208900.

Submission:

Labcorp Genetics (formerly Invitae), Labcorp
Classification: Uncertain significance for Ataxia-telangiectasia syndrome. Last evaluated: 2020-09-17. Review status: criteria provided, single submitter. Criteria: Invitae Variant Classification Sherloc (09022015). Collection method: clinical testing. Allele origin: germline.
Comment: This variant has not been reported in the literature in individuals with ATM-related conditions. This variant is not present in population databases (ExAC no frequency). This sequence change replaces leucine with valine at codon 1761 of the ATM protein (p.Leu1761Val). The leucine residue is highly conserved and there is a small physicochemical difference between leucine and valine. In summary, the available evidence is currently insufficient to determine the role of this variant in disease. Therefore, it has been classified as a Variant of Uncertain Significance. Advanced modeling of protein sequence and biophysical properties (such as structural, functional, and spatial information, amino acid conservation, physicochemical variation, residue mobility, and thermodynamic stability) performed at Invitae indicates that this missense variant is not expected to disrupt ATM protein function.